The following is an entry in ClinVar:

ClinVar aggregate classification (germline): Uncertain significance (1 of 4 stars; one submission).

Submission:

GeneDx
Classification: Uncertain significance. Last evaluated: 2026-04-26. Review status: criteria provided, single submitter. Criteria: GeneDx Variant Classification Process June 2021. Collection method: clinical testing. Allele origin: germline.
Comment: Not observed at significant frequency in large population cohorts (gnomAD); Frameshift variant predicted to result in protein truncation or nonsense mediated decay in a gene or region of a gene for which loss of function is not a well-established mechanism of disease; Has not been previously published as pathogenic or benign to our knowledge

NM_000742.4(CHRNA2):c.336del (p.Lys112fs)

Gene: CHRNA2 (cholinergic receptor nicotinic alpha 2 subunit; minus strand). Cytogenetic location: 8p21.2.
Variant type: Deletion.
Coding change: c.336del on transcript NM_000742.4 (MANE Select); coding-DNA position 336, one base deleted (A; older notation c.336delA).
Protein change: p.Lys112fs; shifts the reading frame from lysine 112.
Molecular consequence: frameshift variant. On other transcripts: 5 prime UTR variant (4).
Genome position (GRCh38, 1-based): chr8:27,469,338, T deleted on the plus strand (A on the coding strand, the reverse complement: CHRNA2 is on the minus strand); the first of 4 consecutive T bases (chr8:27,469,338-27,469,341); deleting any one gives the same sequence. VCF-style (leftmost placement, unchanged base first): chr8-27469337-GT-G. GRCh37 (hg19) VCF-style: chr8-27326854-GT-G.
Other names: c.291del, p.Lys97fs (NM_001282455.2); c.-137del (NM_001347705.2, NM_001347706.2); c.-123del (NM_001347707.2); c.-126del (NM_001347708.2); short protein forms K112fs, K97fs.
Identifiers: ClinVar variation 5037668 (VCV005037668.1).